The following is an entry in ClinVar:

NM_002662.5(PLD1):c.1299C>T (p.Tyr433=)

Gene: PLD1 (phospholipase D1; minus strand). Cytogenetic location: 3q26.31.
Variant type: single nucleotide variant.
Coding change: c.1299C>T on transcript NM_002662.5 (MANE Select); coding-DNA position 1299, C replaced by T.
Protein change: p.Tyr433=; no amino-acid change (tyrosine 433 retained).
Molecular consequence: synonymous variant.
Genome position (GRCh38, 1-based): chr3:171,692,371, G>A on the plus strand (C>T on the coding strand, the complement: PLD1 is on the minus strand). VCF-style: chr3-171692371-G-A. GRCh37 (hg19) VCF-style: chr3-171410161-G-A.
Other names: c.1299C>T, p.Tyr433= (NM_001130081.3).
Identifiers: ClinVar variation 3043004 (VCV003043004.2), dbSNP rs201073177, ClinGen allele CA2704660.
Genomic context (GRCh38, chr3:171,692,371, plus strand): 5'-TATCAAGATGAACCTGAATACCTTTATGTTGGGATGTAGACGCATCAAAGTCCTCTTGGT[G>A]TATTCACTATTGATGCCAAGAGCGAGTTCCACCTCTTTGTAGAGCATTATGAAGATCCTC-3'
Protein context (NP_002653.1, residues 423-443): VELALGINSE[Tyr433=]TKRTLMRLHP

ClinVar aggregate classification (germline): Likely benign (0 of 4 stars; one submission).

Conditions:
PLD1-related disorder. Also called: PLD1-related condition.

Allele frequency attached by ClinVar (database versions not stated): ExAC 0.00002; gnomAD 0.00003; 1000 Genomes Project 30x 0.00016; 1000 Genomes Project 0.00020.
gnomAD v4.1: 17 of 1,588,464 alleles (0.0011%); highest among the groups gnomAD compares: African/African-American, 0.011%; 1 homozygote.

Submission:

PreventionGenetics, part of Exact Sciences
Classification: Likely benign for PLD1-related condition. Last evaluated: 2019-07-03. Review status: no assertion criteria provided. Collection method: clinical testing. Allele origin: germline.
Comment: This variant is classified as likely benign based on ACMG/AMP sequence variant interpretation guidelines (Richards et al. 2015 PMID: 25741868, with internal and published modifications).